The following is an entry in ClinVar:

NM_012179.4(FBXO7):c.564_567del (p.Ser189fs)

Gene: FBXO7 (F-box protein 7; plus strand). Cytogenetic location: 22q12.3.
Variant type: Microsatellite.
Coding change: c.564_567del on transcript NM_012179.4 (MANE Select); coding-DNA positions 564 to 567, 4 bases deleted (ATCA; older notation c.564_567delATCA).
Protein change: p.Ser189fs; shifts the reading frame from serine 189.
Molecular consequence: frameshift variant.
Genome position (GRCh38, 1-based): chr22:32,484,043-32,484,046, ATCA deleted; deleting any 4 consecutive bases within chr22:32,484,039-32,484,046 gives the same sequence; the c. name uses the placement nearest the transcript's 3' end. VCF-style (leftmost placement, unchanged base first): chr22-32484038-TATCA-T. GRCh37 (hg19) VCF-style: chr22-32880025-TATCA-T.
Other names: c.327_330del, p.Ser110fs (NM_001033024.2); c.222_225del, p.Ser75fs (NM_001257990.2); short protein forms S110fs, S189fs, S75fs.
Identifiers: ClinVar variation 2765341 (VCV002765341.3), dbSNP rs2544659247, ClinGen allele CA2697552719.

ClinVar aggregate classification (germline): Pathogenic (1 of 4 stars; one submission).

Conditions:
Parkinsonian-pyramidal syndrome. Also called: PALLIDOPYRAMIDAL SYNDROME; PARKINSON DISEASE 15, AUTOSOMAL RECESSIVE; PARKINSON DISEASE 15, AUTOSOMAL RECESSIVE EARLY-ONSET. Identifiers: Orphanet 171695, MedGen C1850100, MONDO:0009830, OMIM 260300.

Submission:

Labcorp Genetics (formerly Invitae), Labcorp
Classification: Pathogenic for Parkinsonian-pyramidal syndrome. Last evaluated: 2023-10-04. Review status: criteria provided, single submitter. Criteria: Invitae Variant Classification Sherloc (09022015). Collection method: clinical testing. Allele origin: germline.
Comment: This sequence change creates a premature translational stop signal (p.Ser189Leufs*10) in the FBXO7 gene. It is expected to result in an absent or disrupted protein product. Loss-of-function variants in FBXO7 are known to be pathogenic (PMID: 21347293). This variant is not present in population databases (gnomAD no frequency). This variant has not been reported in the literature in individuals affected with FBXO7-related conditions. For these reasons, this variant has been classified as Pathogenic.

Literature cited by the submitters: PubMed 21347293.